The following is an entry in ClinVar:

NM_000088.4(COL1A1):c.906C>T (p.Gly302=)

Genes: COL1A1 (collagen type I alpha 1 chain; minus strand), LOC126862586 (CDK7 strongly-dependent group 2 enhancer GRCh37_chr17:48273702-48274901; plus strand). Cytogenetic location: 17q21.33.
Variant type: single nucleotide variant.
Coding change: c.906C>T on transcript NM_000088.4 (MANE Select); coding-DNA position 906, C replaced by T.
Protein change: p.Gly302=; no amino-acid change (glycine 302 retained).
Molecular consequence: synonymous variant.
Genome position (GRCh38, 1-based): chr17:50,196,365, G>A on the plus strand (C>T on the coding strand, the complement: COL1A1 is on the minus strand). VCF-style: chr17-50196365-G-A. GRCh37 (hg19) VCF-style: chr17-48273726-G-A.
Identifiers: ClinVar variation 3629512 (VCV003629512.2).

ClinVar aggregate classification (germline): Uncertain significance (1 of 4 stars; one submission).

Submission:

Women's Health and Genetics/Laboratory Corporation of America, LabCorp
Classification: Uncertain significance. Last evaluated: 2024-11-27. Review status: criteria provided, single submitter. Criteria: LabCorp Variant Classification Summary - May 2015. Collection method: clinical testing. Allele origin: germline.
Comment: Variant summary: COL1A1 c.906C>T (p.Gly302Gly) alters a non-conserved nucleotide located close to a canonical splice site and therefore could affect mRNA splicing, leading to a significantly altered protein sequence. Consensus agreement among computation tools predict no significant impact on normal splicing. However, these predictions have yet to be confirmed by functional studies. The frequency data for this variant in gnomAD is considered unreliable, as metrics indicate poor data quality at this position. To our knowledge, no occurrence of c.906C>T in individuals affected with COL1A1-related conditions and no experimental evidence demonstrating its impact on protein function have been reported. No submitters have cited clinical-significance assessments for this variant to ClinVar. Based on the evidence outlined above, the variant was classified as uncertain significance.